The following is an entry in ClinVar:

ClinVar aggregate classification (germline): Uncertain significance. Review status: criteria provided, multiple submitters, no conflicts (2 of 4 stars). 6 submissions from 6 submitters: Uncertain significance (5). 1 of the submissions does not count toward it. Last evaluated 2025-05-12.

Conditions:
SPG7-related disorder. Also called: SPG7-related condition.
Hereditary spastic paraplegia 7 (SPG7). Also called: SPG7-related neurologic disorder; Spastic paraplegia 7; Hereditary spastic paraplegia Paraplegin type; Autosomal recessive spastic paraplegia type 7; SPASTIC PARAPLEGIA 7, AUTOSOMAL RECESSIVE, WITH OR WITHOUT CEREBELLAR ATAXIA. Identifiers: Orphanet 99013, MedGen C1846564, MONDO:0011803, OMIM 607259.

Allele frequency attached by ClinVar (database versions not stated): ExAC 0.00001; gnomAD exomes 0.00001 and 0.00002; gnomAD 0.00003 and 0.00004; TOPMed 0.00003.
gnomAD v4.1: 35 of 1,613,436 alleles (0.0022%); highest among the groups gnomAD compares: South Asian, 0.0088%; no homozygotes.

Submissions (6):

GeneDx
Classification: Uncertain significance. Last evaluated: 2025-05-12. Review status: criteria provided, single submitter. Criteria: GeneDx Variant Classification Process June 2021. Collection method: clinical testing. Allele origin: germline. Affected: yes.
Comment: Has not been previously published as pathogenic or benign to our knowledge; In silico analysis supports that this missense variant has a deleterious effect on protein structure/function; This variant is associated with the following publications: (PMID: 22571692)

Revvity Omics, Revvity
Classification: Uncertain significance for Hereditary spastic paraplegia 7. Last evaluated: 2022-12-22. Review status: criteria provided, single submitter. Criteria: ACMG Guidelines, 2015. Collection method: clinical testing. Allele origin: germline.

Labcorp Genetics (formerly Invitae), Labcorp
Classification: Uncertain significance for Hereditary spastic paraplegia 7. Last evaluated: 2022-08-20. Review status: criteria provided, single submitter. Criteria: Invitae Variant Classification Sherloc (09022015). Collection method: clinical testing. Allele origin: germline.
Comment: This sequence change replaces arginine, which is basic and polar, with glutamine, which is neutral and polar, at codon 391 of the SPG7 protein (p.Arg391Gln). This variant is present in population databases (rs778409451, gnomAD 0.006%). This variant has not been reported in the literature in individuals affected with SPG7-related conditions. ClinVar contains an entry for this variant (Variation ID: 886110). Advanced modeling of protein sequence and biophysical properties (such as structural, functional, and spatial information, amino acid conservation, physicochemical variation, residue mobility, and thermodynamic stability) performed at Invitae indicates that this missense variant is expected to disrupt SPG7 protein function. In summary, the available evidence is currently insufficient to determine the role of this variant in disease. Therefore, it has been classified as a Variant of Uncertain Significance.

Centre for Mendelian Genomics, University Medical Centre Ljubljana
Classification: Uncertain significance for Hereditary spastic paraplegia 7. Last evaluated: 2018-11-21. Review status: criteria provided, single submitter. Criteria: ACMG Guidelines, 2015. Collection method: clinical testing. Allele origin: unknown. Affected: yes.
Comment: This variant was classified as: Uncertain significance. The available evidence on this variant's pathogenicity is insufficient or conflicting. The following ACMG criteria were applied in classifying this variant: PM2,PP3.

Illumina Laboratory Services, Illumina
Classification: Uncertain significance for Hereditary spastic paraplegia 7. Last evaluated: 2017-04-27. Review status: criteria provided, single submitter. Criteria: ICSL Variant Classification Criteria 13 December 2019. Collection method: clinical testing. Allele origin: germline.

PreventionGenetics, part of Exact Sciences
Classification: Uncertain significance for SPG7-related condition. Last evaluated: 2024-04-03. Review status: no assertion criteria provided. Collection method: clinical testing. Allele origin: germline. Not counted in ClinVar's aggregate classification.
Comment: The SPG7 c.1172G>A variant is predicted to result in the amino acid substitution p.Arg391Gln. To our knowledge, this variant has not been reported in the literature. This variant is reported in 0.0065% of alleles in individuals of South Asian descent in gnomAD. At this time, the clinical significance of this variant is uncertain due to the absence of conclusive functional and genetic evidence.

NM_003119.4(SPG7):c.1172G>A (p.Arg391Gln)

Gene: SPG7 (SPG7 matrix AAA peptidase subunit, paraplegin; plus strand). Cytogenetic location: 16q24.3.
Variant type: single nucleotide variant.
Coding change: c.1172G>A on transcript NM_003119.4 (MANE Select); coding-DNA position 1172, G replaced by A.
Protein change: p.Arg391Gln; replaces arginine 391 with glutamine.
Molecular consequence: missense variant.
Genome position (GRCh38, 1-based): chr16:89,532,484, G>A. VCF-style: chr16-89532484-G-A. GRCh37 (hg19) VCF-style: chr16-89598892-G-A.
Other names: c.1172G>A, p.Arg391Gln (NM_001363850.1, NM_199367.3); short protein forms R391Q.
Identifiers: ClinVar variation 886110 (VCV000886110.12), dbSNP rs778409451, ClinGen allele CA8243983.